The following is an entry in ClinVar:

NM_005902.4(SMAD3):c.677A>C (p.Tyr226Ser)

Gene: SMAD3 (SMAD family member 3; plus strand). Cytogenetic location: 15q22.33.
Variant type: single nucleotide variant.
Coding change: c.677A>C on transcript NM_005902.4 (MANE Select); coding-DNA position 677, A replaced by C.
Protein change: p.Tyr226Ser; replaces tyrosine 226 with serine.
Molecular consequence: missense variant.
Genome position (GRCh38, 1-based): chr15:67,181,259, A>C. VCF-style: chr15-67181259-A-C. GRCh37 (hg19) VCF-style: chr15-67473597-A-C.
Other names: c.230A>C, p.Tyr77Ser (NM_001407015.1); c.362A>C, p.Tyr121Ser (NM_001407016.1, NM_001145102.2); c.92A>C, p.Tyr31Ser (NM_001407017.1, NM_001145104.2); c.545A>C, p.Tyr182Ser (NM_001145103.2, NM_001407012.1); c.677A>C, p.Tyr226Ser (NM_001407011.1, NM_001407013.1); c.530A>C, p.Tyr177Ser (NM_001407014.1); short protein forms Y121S, Y177S, Y182S, Y226S, Y31S, Y77S.
Identifiers: ClinVar variation 2574085 (VCV002574085.15), dbSNP rs2505282958, ClinGen allele CA392955859.
Genomic context (GRCh38, chr15:67,181,259, plus strand): 5'-TTGGGACACCCAATGACCCAGTAGCCCACCCTGTGTCCACAGACCTGCAGCCAGTTACCT[A>C]CTGCGAGCCGGCCTTCTGGTGCTCCATCTCCTACTACGAGCTGAACCAGCGCGTCGGGGA-3'
Protein context (NP_005893.1, residues 216-236): HNNLDLQPVT[Tyr226Ser]CEPAFWCSIS

ClinVar aggregate classification (germline): Pathogenic/Likely pathogenic. Review status: criteria provided, multiple submitters, no conflicts (2 of 4 stars). 3 submissions from 3 submitters: Pathogenic (1); Likely pathogenic (1). 1 of the submissions does not count toward it. Last evaluated 2025-01-01.

Conditions:
SMAD3-related disorder. Also called: SMAD3-related condition.
Aneurysm-osteoarthritis syndrome. Also called: SMAD3-Related Loeys-Dietz Syndrome; ANEURYSMS-OSTEOARTHRITIS SYNDROME; Loeys-Dietz syndrome, type 1C; LOEYS-DIETZ SYNDROME WITH OSTEOARTHRITIS. Identifiers: Orphanet 284984, MedGen C3151087, MONDO:0013426, OMIM 613795.

Allele frequency attached by ClinVar (database versions not stated): gnomAD exomes below 0.00001.

Submissions (3):

CeGaT Center for Human Genetics Tuebingen
Classification: Likely pathogenic. Last evaluated: 2025-01-01. Review status: criteria provided, single submitter. Criteria: CeGaT Center For Human Genetics Tuebingen Variant Classification Criteria Version 2. Collection method: clinical testing. Allele origin: germline. Affected: yes. Observed: 1 variant allele.
Comment: SMAD3: PM1, PM2, PS4:Moderate, PP2, PP3

Blueprint Genetics
Classification: Pathogenic for SMAD3-related disorders. Last evaluated: 2024-06-27. Review status: criteria provided, single submitter. Criteria: ACMG Guidelines, 2015. Collection method: clinical testing. Allele origin: germline. Affected: yes. Observed: 4 variant alleles.

deCODE genetics, Amgen
Classification: Likely pathogenic for Aneurysm-osteoarthritis syndrome. Last evaluated: 2023-07-21. Review status: no assertion criteria provided. Collection method: research. Allele origin: germline. Affected: yes. Observed: 19 variant alleles. Not counted in ClinVar's aggregate classification.
Comment: The variant NM_005902.4:c.677A>C (chr15:67181259) in SMAD3 was detected in 8 heterozygotes out of 58K WGS Icelanders (MAF= 0,007%). Following imputation in a set of 166K Icelanders (19 imputed heterozygotes) we observed an association with thoracic aortic aneurysm using 517 cases and 287821 controls (OR= 98.27, P= 5.66e-10). This variant has not been reported in ClinVar previously. Based on ACMG criteria (PS4, PP2, PP3, PP4) this variant classifies as likely pathogenic.